The following is an entry in ClinVar:

ClinVar aggregate classification (germline): Uncertain significance. Review status: criteria provided, multiple submitters, no conflicts (2 of 4 stars). 2 submissions from 2 submitters: Uncertain significance (2). Last evaluated 2025-04-28.

Conditions:
Oligodontia-cancer predisposition syndrome. Also called: TOOTH AGENESIS-COLORECTAL CANCER SYNDROME. Identifiers: Orphanet 300576, MedGen C1837750, MONDO:0012075, OMIM 608615. Disease mechanism: loss of function.

Allele frequency attached by ClinVar (database versions not stated): gnomAD exomes below 0.00001; ExAC 0.00001.
gnomAD v4.1: 1 of 1,614,242 alleles (0.000062%); highest among the groups gnomAD compares: South Asian, 0.0011%; no homozygotes.

Submissions (2):

Labcorp Genetics (formerly Invitae), Labcorp
Classification: Uncertain significance for Oligodontia-cancer predisposition syndrome. Last evaluated: 2025-04-28. Review status: criteria provided, single submitter. Criteria: Invitae Variant Classification Sherloc (09022015). Collection method: clinical testing. Allele origin: germline.
Comment: This sequence change replaces methionine, which is neutral and non-polar, with isoleucine, which is neutral and non-polar, at codon 830 of the AXIN2 protein (p.Met830Ile). This variant is present in population databases (rs747010025, gnomAD 0.003%). This missense change has been observed in individual(s) with oligodontia (PMID: 24581859). ClinVar contains an entry for this variant (Variation ID: 939793). Invitae Evidence Modeling of protein sequence and biophysical properties (such as structural, functional, and spatial information, amino acid conservation, physicochemical variation, residue mobility, and thermodynamic stability) indicates that this missense variant is not expected to disrupt AXIN2 protein function with a negative predictive value of 80%. In summary, the available evidence is currently insufficient to determine the role of this variant in disease. Therefore, it has been classified as a Variant of Uncertain Significance.

GeneDx
Classification: Uncertain significance. Last evaluated: 2024-01-09. Review status: criteria provided, single submitter. Criteria: GeneDx Variant Classification Process June 2021. Collection method: clinical testing. Allele origin: germline. Affected: yes.
Comment: Not observed at significant frequency in large population cohorts (gnomAD); In silico analysis supports that this missense variant does not alter protein structure/function; Has not been previously published as pathogenic or benign to our knowledge; This variant is associated with the following publications: (PMID: 15735151, 24581859)

Literature cited by the submitters: PubMed 24581859 (cited by Labcorp Genetics (formerly Invitae), Labcorp).

NM_004655.4(AXIN2):c.2490G>A (p.Met830Ile)

Gene: AXIN2 (axin 2; minus strand). Cytogenetic location: 17q24.1.
Variant type: single nucleotide variant.
Coding change: c.2490G>A on transcript NM_004655.4 (MANE Select); coding-DNA position 2490, G replaced by A.
Protein change: p.Met830Ile; replaces methionine 830 with isoleucine.
Molecular consequence: missense variant.
Genome position (GRCh38, 1-based): chr17:65,530,018, C>T on the plus strand (G>A on the coding strand, the complement: AXIN2 is on the minus strand). VCF-style: chr17-65530018-C-T. GRCh37 (hg19) VCF-style: chr17-63526136-C-T.
Other names: c.2295G>A, p.Met765Ile (NM_001363813.1); short protein forms M765I, M830I.
Identifiers: ClinVar variation 939793 (VCV000939793.8), dbSNP rs747010025, ClinGen allele CA8718277.